The following is an entry in ClinVar:

ClinVar aggregate classification (germline): Pathogenic (1 of 4 stars; one submission).

Submission:

Labcorp Genetics (formerly Invitae), Labcorp
Classification: Pathogenic. Last evaluated: 2022-02-04. Review status: criteria provided, single submitter. Criteria: Invitae Variant Classification Sherloc (09022015). Collection method: clinical testing. Allele origin: germline.
Comment: For these reasons, this variant has been classified as Pathogenic. ClinVar contains an entry for this variant (Variation ID: 1072361). This variant has not been reported in the literature in individuals affected with NEXMIF-related conditions. This variant is not present in population databases (gnomAD no frequency). This sequence change creates a premature translational stop signal (p.Asn758Lysfs*3) in the NEXMIF gene. It is expected to result in an absent or disrupted protein product. Loss-of-function variants in NEXMIF are known to be pathogenic (PMID: 23615299).

Literature cited by the submitters: PubMed 23615299.

NM_001008537.3(NEXMIF):c.2274_2278del (p.Asn758fs)

Gene: NEXMIF (neurite extension and migration factor; minus strand). Cytogenetic location: Xq13.3.
Variant type: Deletion.
Coding change: c.2274_2278del on transcript NM_001008537.3 (MANE Select); coding-DNA positions 2274 to 2278, 5 bases deleted (TTTAA; older notation c.2274_2278delTTTAA).
Protein change: p.Asn758fs; shifts the reading frame from asparagine 758.
Molecular consequence: frameshift variant.
Genome position (GRCh38, 1-based): chrX:74,742,279-74,742,283, TTAAA deleted on the plus strand (TTTAA on the coding strand, the reverse complement: NEXMIF is on the minus strand); deleting any 5 consecutive bases within chrX:74,742,279-74,742,286 gives the same sequence; the c. name uses the placement nearest the transcript's 3' end. VCF-style (leftmost placement, unchanged base first): chrX-74742278-TTTAAA-T. GRCh37 (hg19) VCF-style: chrX-73962113-TTTAAA-T.
Other names: short protein forms N758fs.
Identifiers: ClinVar variation 1072361 (VCV001072361.7), dbSNP rs2147440346, ClinGen allele CA2499226852.
Genomic context (GRCh38, chrX:74,742,278, plus strand): 5'-TTTGCCTCATGAAATTCAGATAGACGGGAACTGTTTGATGTCCCAGGAATAACTTCATTC[TTTAAA>T]TTAGCCTTTGAGGATTGGTTTTCCAAGAGAGGGCTCATTTGAACAATTGGCTTGCTTTCT-3'